The following is an entry in ClinVar:

NM_001190787.3(MCIDAS):c.1004T>A (p.Leu335Ter)

Gene: MCIDAS (multiciliate differentiation and DNA synthesis associated cell cycle protein; minus strand). Cytogenetic location: 5q11.2.
Variant type: single nucleotide variant.
Coding change: c.1004T>A on transcript NM_001190787.3 (MANE Select); coding-DNA position 1004, T replaced by A.
Protein change: p.Leu335Ter; replaces leucine 335 with a stop codon.
Molecular consequence: nonsense.
Genome position (GRCh38, 1-based): chr5:55,220,520, A>T on the plus strand (T>A on the coding strand, the complement: MCIDAS is on the minus strand). VCF-style: chr5-55220520-A-T. GRCh37 (hg19) VCF-style: chr5-54516348-A-T.
Other names: short protein forms L335*.
Identifiers: ClinVar variation 841768 (VCV000841768.12), dbSNP rs1291689114, ClinGen allele CA359730806.

ClinVar aggregate classification (germline): Pathogenic/Likely pathogenic. Review status: criteria provided, multiple submitters, no conflicts (2 of 4 stars). 2 submissions from 2 submitters: Pathogenic (1); Likely pathogenic (1). Last evaluated 2024-01-02.

Conditions:
Primary ciliary dyskinesia. Also called: Ciliary dyskinesia. Identifiers: Orphanet 244, MedGen C0008780, MONDO:0016575, HP:0012265.

Allele frequency attached by ClinVar (database versions not stated): gnomAD exomes below 0.00001.
gnomAD v4.1: 6 of 1,536,082 alleles (0.00039%); highest among the groups gnomAD compares: Non-Finnish European, 0.00052%; no homozygotes.

Submissions (2):

Labcorp Genetics (formerly Invitae), Labcorp
Classification: Pathogenic for Primary ciliary dyskinesia. Last evaluated: 2024-01-02. Review status: criteria provided, single submitter. Criteria: Invitae Variant Classification Sherloc (09022015). Collection method: clinical testing. Allele origin: germline.
Comment: This sequence change creates a premature translational stop signal (p.Leu335*) in the MCIDAS gene. While this is not anticipated to result in nonsense mediated decay, it is expected to disrupt the last 51 amino acid(s) of the MCIDAS protein. This variant is not present in population databases (gnomAD no frequency). This variant has not been reported in the literature in individuals affected with MCIDAS-related conditions. ClinVar contains an entry for this variant (Variation ID: 841768). This variant disrupts a region of the MCIDAS protein in which other variant(s) (P.Arg381His) have been determined to be pathogenic (PMID: 8813877, 25048963; Invitae). This suggests that this is a clinically significant region of the protein, and that variants that disrupt it are likely to be disease-causing. For these reasons, this variant has been classified as Pathogenic.

UNC Molecular Genetics  Laboratory, University of North Carolina at Chapel Hill
Classification: Likely pathogenic for Primary ciliary dyskinesia. Last evaluated: 2019-12-12. Review status: criteria provided, single submitter. Criteria: ACMG Guidelines, 2015. Collection method: clinical testing. Allele origin: germline. Observed: 1 heterozygote.

Literature cited by the submitters: PubMed 8813877 (cited by Labcorp Genetics (formerly Invitae), Labcorp); PubMed 25048963 (cited by Labcorp Genetics (formerly Invitae), Labcorp).